The following is an entry in ClinVar:

NM_001079802.2(FKTN):c.884T>A (p.Phe295Tyr)

Gene: FKTN (fukutin; plus strand). Cytogenetic location: 9q31.2.
Variant type: single nucleotide variant.
Coding change: c.884T>A on transcript NM_001079802.2 (MANE Select); coding-DNA position 884, T replaced by A.
Protein change: p.Phe295Tyr; replaces phenylalanine 295 with tyrosine.
Molecular consequence: missense variant. On other transcripts: non-coding transcript variant (1).
Genome position (GRCh38, 1-based): chr9:105,615,381, T>A. VCF-style: chr9-105615381-T-A. GRCh37 (hg19) VCF-style: chr9-108377662-T-A.
Other names: c.884T>A, p.Phe295Tyr (NM_001198963.2, NM_001351496.2, NM_001351498.2 and 1 more transcripts); c.815T>A, p.Phe272Tyr (NM_001351497.2); c.488T>A, p.Phe163Tyr (NM_001351499.2, NM_001351500.2, NM_001351501.2 and 1 more transcripts); c.884T>A (NM_001079802.1); short protein forms F295Y, F272Y, F163Y.
Identifiers: ClinVar variation 1401346 (VCV001401346.6), dbSNP rs1830635344, ClinGen allele CA374377306.

ClinVar aggregate classification (germline): Uncertain significance. Review status: criteria provided, multiple submitters, no conflicts (2 of 4 stars). 2 submissions from 2 submitters: Uncertain significance (2). Last evaluated 2025-02-21.

Conditions:
Walker-Warburg congenital muscular dystrophy. Also called: Muscular dystrophy-dystroglycanopathy, type A; Walker-Warburg syndrome. Identifiers: Orphanet 899, MedGen C0265221, MONDO:0000171.

Allele frequency attached by ClinVar (database versions not stated): gnomAD exomes below 0.00001; TOPMed 0.00001.
gnomAD v4.1: 1 of 1,614,146 alleles (0.000062%); highest among the groups gnomAD compares: South Asian, 0.0011%; no homozygotes.

Submissions (2):

GeneDx
Classification: Uncertain significance. Last evaluated: 2025-02-21. Review status: criteria provided, single submitter. Criteria: GeneDx Variant Classification Process June 2021. Collection method: clinical testing. Allele origin: germline. Affected: yes.
Comment: Not observed at significant frequency in large population cohorts (gnomAD); In silico analysis indicates that this missense variant does not alter protein structure/function; Has not been previously published as pathogenic or benign to our knowledge

Labcorp Genetics (formerly Invitae), Labcorp
Classification: Uncertain significance for Walker-Warburg congenital muscular dystrophy. Last evaluated: 2021-08-24. Review status: criteria provided, single submitter. Criteria: Invitae Variant Classification Sherloc (09022015). Collection method: clinical testing. Allele origin: germline.
Comment: This sequence change replaces phenylalanine with tyrosine at codon 295 of the FKTN protein (p.Phe295Tyr). The phenylalanine residue is highly conserved and there is a small physicochemical difference between phenylalanine and tyrosine. This variant is not present in population databases (ExAC no frequency). This variant has not been reported in the literature in individuals affected with FKTN-related conditions. Algorithms developed to predict the effect of missense changes on protein structure and function are either unavailable or do not agree on the potential impact of this missense change (SIFT: "Tolerated"; PolyPhen-2: "Probably Damaging"; Align-GVGD: "Class C0"). In summary, the available evidence is currently insufficient to determine the role of this variant in disease. Therefore, it has been classified as a Variant of Uncertain Significance.